The following is an entry in ClinVar:

NM_001127178.3(PIGG):c.110G>C (p.Arg37Thr)

Gene: PIGG (phosphatidylinositol glycan anchor biosynthesis class G (EMM blood group); plus strand). Cytogenetic location: 4p16.3.
Variant type: single nucleotide variant.
Coding change: c.110G>C on transcript NM_001127178.3 (MANE Select); coding-DNA position 110, G replaced by C.
Protein change: p.Arg37Thr; replaces arginine 37 with threonine.
Molecular consequence: missense variant. On other transcripts: 5 prime UTR variant (9), non-coding transcript variant (10), intron variant (1).
Genome position (GRCh38, 1-based): chr4:499,445, G>C. VCF-style: chr4-499445-G-C. GRCh37 (hg19) VCF-style: chr4-493234-G-C.
Other names: c.110G>C, p.Arg37Thr (NM_001289052.2, NM_001345989.2, NM_017733.5); c.-716G>C (NM_001289053.2); c.-327G>C (NM_001289055.2); c.-394G>C (NM_001289057.2, NM_001345986.2, NM_001345987.2); c.-1014G>C (NM_001345988.2); c.-1516G>C (NM_001345990.2); c.-1614G>C (NM_001345991.2); c.-1339G>C (NM_001345994.2); and 1 more; short protein forms R37T.
Identifiers: ClinVar variation 949386 (VCV000949386.10), dbSNP rs782188298, ClinGen allele CA355888884.

ClinVar aggregate classification (germline): Uncertain significance (1 of 4 stars; one submission).

Conditions:
Intellectual disability, autosomal recessive 53 (NEDHSCA). Also called: GLYCOSYLPHOSPHATIDYLINOSITOL BIOSYNTHESIS DEFECT 13; Mental retardation, autosomal recessive 53; NEURODEVELOPMENTAL DISORDER WITH OR WITHOUT HYPOTONIA, SEIZURES, AND CEREBELLAR ATROPHY. Identifiers: Orphanet 488635, MedGen C4310794, MONDO:0014832, OMIM 616917.

Allele frequency attached by ClinVar (database versions not stated): gnomAD exomes 0.00001.
gnomAD v4.1: 6 of 1,605,038 alleles (0.00037%); highest among the groups gnomAD compares: Admixed American, 0.0033%; no homozygotes.

Submission:

Labcorp Genetics (formerly Invitae), Labcorp
Classification: Uncertain significance for Intellectual disability, autosomal recessive 53. Last evaluated: 2022-08-08. Review status: criteria provided, single submitter. Criteria: Invitae Variant Classification Sherloc (09022015). Collection method: clinical testing. Allele origin: germline.
Comment: This sequence change replaces arginine, which is basic and polar, with threonine, which is neutral and polar, at codon 37 of the PIGG protein (p.Arg37Thr). This variant is present in population databases (no rsID available, gnomAD 0.006%). This variant has not been reported in the literature in individuals affected with PIGG-related conditions. ClinVar contains an entry for this variant (Variation ID: 949386). Algorithms developed to predict the effect of missense changes on protein structure and function (SIFT, PolyPhen-2, Align-GVGD) all suggest that this variant is likely to be tolerated. In summary, the available evidence is currently insufficient to determine the role of this variant in disease. Therefore, it has been classified as a Variant of Uncertain Significance.